The following is an entry in ClinVar:

NM_000069.3(CACNA1S):c.1862A>C (p.Tyr621Ser)

Gene: CACNA1S (calcium voltage-gated channel subunit alpha1 S; minus strand). Cytogenetic location: 1q32.1.
Variant type: single nucleotide variant.
Coding change: c.1862A>C on transcript NM_000069.3 (MANE Select); coding-DNA position 1862, A replaced by C.
Protein change: p.Tyr621Ser; replaces tyrosine 621 with serine.
Molecular consequence: missense variant.
Genome position (GRCh38, 1-based): chr1:201,075,581, T>G on the plus strand (A>C on the coding strand, the complement: CACNA1S is on the minus strand). VCF-style: chr1-201075581-T-G. GRCh37 (hg19) VCF-style: chr1-201044709-T-G.
Other names: short protein forms Y621S.
Identifiers: ClinVar variation 4757160 (VCV004757160.1).

ClinVar aggregate classification (germline): Uncertain significance (1 of 4 stars; one submission).

Conditions:
Malignant hyperthermia, susceptibility to, 5 (MHS5). Also called: CACNA1S-Related Malignant Hyperthermia Susceptibility. Identifiers: Orphanet 423, MedGen C1866077, MONDO:0011163, OMIM 601887.

Submission:

Color Diagnostics, LLC DBA Color Health
Classification: Uncertain significance for Malignant hyperthermia, susceptibility to, 5. Last evaluated: 2025-06-23. Review status: criteria provided, single submitter. Criteria: ACMG Guidelines, 2015. Collection method: clinical testing. Allele origin: germline.
Comment: This missense variant replaces tyrosine with serine at codon 621 of the CACNA1S protein. Computational prediction suggests that this variant may have deleterious impact on protein structure and function. To our knowledge, functional studies have not been reported for this variant. This variant has not been reported in individuals affected with CACNA1S-related disorders in the literature. This variant has not been identified in the general population by the Genome Aggregation Database (gnomAD). The available evidence is insufficient to determine the role of this variant in disease conclusively. Therefore, this variant is classified as a Variant of Uncertain Significance.